The following is an entry in ClinVar:

NM_182641.4(BPTF):c.8345A>T (p.Asp2782Val)

Gene: BPTF (bromodomain PHD finger transcription factor; plus strand). Cytogenetic location: 17q24.2.
Variant type: single nucleotide variant.
Coding change: c.8345A>T on transcript NM_182641.4 (MANE Select); coding-DNA position 8345, A replaced by T.
Protein change: p.Asp2782Val; replaces aspartic acid 2782 with valine.
Molecular consequence: missense variant.
Genome position (GRCh38, 1-based): chr17:67,964,295, A>T. VCF-style: chr17-67964295-A-T. GRCh37 (hg19) VCF-style: chr17-65960411-A-T.
Other names: c.8294A>T, p.Asp2765Val (NM_004459.7); short protein forms D2765V, D2782V.
Identifiers: ClinVar variation 1331129 (VCV001331129.2), dbSNP rs2148388450, ClinGen allele CA400732266.

ClinVar aggregate classification (germline): Uncertain significance (1 of 4 stars; one submission).

gnomAD v4.1: 1 of 1,614,184 alleles (0.000062%); highest among the groups gnomAD compares: Non-Finnish European, 0.000085%; no homozygotes.

Submission:

GeneDx
Classification: Uncertain significance. Last evaluated: 2021-06-29. Review status: criteria provided, single submitter. Criteria: GeneDx Variant Classification Process June 2021. Collection method: clinical testing. Allele origin: germline. Affected: yes.
Comment: Not observed at significant frequency in large population cohorts (Lek et al., 2016); In silico analysis supports that this missense variant has a deleterious effect on protein structure/function; Has not been previously published as pathogenic or benign to our knowledge; This variant is associated with the following publications: (PMID: 27535533)